The following is an entry in ClinVar:

NM_001961.4(EEF2):c.307A>G (p.Ile103Val)

Gene: EEF2 (eukaryotic translation elongation factor 2; minus strand). Cytogenetic location: 19p13.3.
Variant type: single nucleotide variant.
Coding change: c.307A>G on transcript NM_001961.4 (MANE Select); coding-DNA position 307, A replaced by G.
Protein change: p.Ile103Val; replaces isoleucine 103 with valine.
Molecular consequence: missense variant.
Genome position (GRCh38, 1-based): chr19:3,983,203, T>C on the plus strand (A>G on the coding strand, the complement: EEF2 is on the minus strand). VCF-style: chr19-3983203-T-C. GRCh37 (hg19) VCF-style: chr19-3983201-T-C.
Other names: short protein forms I103V.
Identifiers: ClinVar variation 3253369 (VCV003253369.1), dbSNP rs2512206934.
Genomic context (GRCh38, chr19:3,983,203, plus strand): 5'-CGGTGACTCGGAGGGCAGCAGTCACCTCCGAGGAGAAGTCGACATGCCCGGGGGAGTCAA[T>C]GAGGTTGATGAGGAAGCCGGCACCGTCCTTGCTCTGCTTGATGAAGTTCAAGTCATTCTC-3'
Protein context (NP_001952.1, residues 93-113): KDGAGFLINL[Ile103Val]DSPGHVDFSS

ClinVar aggregate classification (germline): Uncertain significance (1 of 4 stars; one submission).

Submission:

GeneDx
Classification: Uncertain significance. Last evaluated: 2023-12-11. Review status: criteria provided, single submitter. Criteria: GeneDx Variant Classification Process June 2021. Collection method: clinical testing. Allele origin: germline. Affected: yes.
Comment: Not observed at significant frequency in large population cohorts (gnomAD); In silico analysis supports that this missense variant does not alter protein structure/function; Has not been previously published as pathogenic or benign to our knowledge